The following is an entry in ClinVar:

NM_001368809.2(AMPD2):c.2345C>G (p.Pro782Arg)

Gene: AMPD2 (adenosine monophosphate deaminase 2; plus strand). Cytogenetic location: 1p13.3.
Variant type: single nucleotide variant.
Coding change: c.2345C>G on transcript NM_001368809.2 (MANE Select); coding-DNA position 2345, C replaced by G.
Protein change: p.Pro782Arg; replaces proline 782 with arginine.
Molecular consequence: missense variant.
Genome position (GRCh38, 1-based): chr1:109,631,019, C>G. VCF-style: chr1-109631019-C-G. GRCh37 (hg19) VCF-style: chr1-110173641-C-G.
Other names: c.2507C>G (NM_001257360.1); c.2153C>G, p.Pro718Arg (NM_001257361.2); c.2282C>G, p.Pro761Arg (NM_001308170.1); c.2345C>G, p.Pro782Arg (NM_004037.9); c.2264C>G, p.Pro755Arg (NM_139156.4); short protein forms P718R, P755R, P761R, P782R.
Identifiers: ClinVar variation 426644 (VCV000426644.2), dbSNP rs1085307726, ClinGen allele CA341563435.

ClinVar aggregate classification (germline): Uncertain significance (1 of 4 stars; one submission).

Submission:

GeneDx
Classification: Uncertain significance. Last evaluated: 2017-04-10. Review status: criteria provided, single submitter. Criteria: GeneDx Variant Classification (06012015). Collection method: clinical testing. Allele origin: germline. Affected: yes.
Comment: The P836R variant in the AMPD2 gene has not been reported previously as a pathogenic variant, nor as a benign variant, to our knowledge. The P836R variant is not observed in large population cohorts (Lek et al., 2016; 1000 Genomes Consortium et al., 2015; Exome Variant Server). The P836R variant is a non-conservative amino acid substitution, which is likely to impact secondary protein structure as these residues differ in polarity, charge, size and/or other properties. This substitution occurs at a position that is conserved across species. In silico analysis predicts this variant is probably damaging to the protein structure/function. We interpret P836R as a variant of uncertain significance.